The following is an entry in ClinVar:

ClinVar aggregate classification (germline): Benign/Likely benign. Review status: criteria provided, multiple submitters, no conflicts (2 of 4 stars). 3 submissions from 3 submitters: Benign (1); Likely benign (2). Last evaluated 2026-05-05.

Conditions:
Colorectal cancer, hereditary nonpolyposis, type 7. Identifiers: Orphanet 144, MedGen C1858380, MONDO:0013725, OMIM 614385.

gnomAD v4.1: 1 of 1,614,174 alleles (0.000062%); no homozygotes.

Submissions (3):

Myriad Genetics, Inc.
Classification: Benign for Colorectal cancer, hereditary nonpolyposis, type 7. Last evaluated: 2026-05-05. Review status: criteria provided, single submitter. Criteria: Myriad Autosomal Dominant, Autosomal Recessive and X-Linked Classification Criteria (2023). Collection method: clinical testing. Allele origin: unknown.
Comment: This variant is considered benign. This variant is a silent/synonymous amino acid change and it is not expected to impact splicing.

Labcorp Genetics (formerly Invitae), Labcorp
Classification: Likely benign for Colorectal cancer, hereditary nonpolyposis, type 7. Last evaluated: 2024-09-15. Review status: criteria provided, single submitter. Criteria: Invitae Variant Classification Sherloc (09022015). Collection method: clinical testing. Allele origin: germline.

Ambry Genetics
Classification: Likely benign. Last evaluated: 2019-07-12. Review status: criteria provided, single submitter. Criteria: Ambry Variant Classification Scheme 2023. Collection method: clinical testing. Allele origin: germline.

NM_001040108.2(MLH3):c.2640G>A (p.Leu880=)

Gene: MLH3 (mutL homolog 3; minus strand). Cytogenetic location: 14q24.3.
Variant type: single nucleotide variant.
Coding change: c.2640G>A on transcript NM_001040108.2 (MANE Select); coding-DNA position 2640, G replaced by A.
Protein change: p.Leu880=; no amino-acid change (leucine 880 retained).
Molecular consequence: synonymous variant.
Genome position (GRCh38, 1-based): chr14:75,047,016, C>T on the plus strand (G>A on the coding strand, the complement: MLH3 is on the minus strand). VCF-style: chr14-75047016-C-T. GRCh37 (hg19) VCF-style: chr14-75513719-C-T.
Other names: c.2640G>A, p.Leu880= (NM_014381.3).
Identifiers: ClinVar variation 1794193 (VCV001794193.8), dbSNP rs2503265078, ClinGen allele CA487273278.